The following is an entry in ClinVar:

NM_001127208.3(TET2):c.1745A>G (p.Asn582Ser)

Genes: TET2 (tet methylcytosine dioxygenase 2; plus strand), TET2-AS1 (TET2 antisense RNA 1; minus strand). Cytogenetic location: 4q24.
Variant type: single nucleotide variant.
Coding change: c.1745A>G on transcript NM_001127208.3 (MANE Select); coding-DNA position 1745, A replaced by G.
Protein change: p.Asn582Ser; replaces asparagine 582 with serine.
Molecular consequence: missense variant.
Genome position (GRCh38, 1-based): chr4:105,235,687, A>G. VCF-style: chr4-105235687-A-G. GRCh37 (hg19) VCF-style: chr4-106156844-A-G.
Other names: c.1745A>G, p.Asn582Ser (NM_017628.4); short protein forms N582S.
Identifiers: ClinVar variation 135302 (VCV000135302.1), dbSNP rs587778705, ClinGen allele CA162275.

ClinVar aggregate classification (germline): not provided (0 of 4 stars; one submission).

Allele frequency attached by ClinVar (database versions not stated): gnomAD exomes below 0.00001 and 0.00001; ExAC 0.00001; TOPMed 0.00001.
gnomAD v4.1: 4 of 1,614,170 alleles (0.00025%); highest among the groups gnomAD compares: East Asian, 0.0022%; no homozygotes.

Submission:

ITMI
No classification provided. Condition: AllHighlyPenetrant. Last evaluated: 2013-09-19. Review status: no classification provided. Collection method: reference population. Allele origin: germline.
Comment: Please see associated publication for description of ethnicities

Literature cited by the submitters: PubMed 24728327.